The following is an entry in ClinVar:

ClinVar aggregate classification (germline): Uncertain significance (1 of 4 stars; one submission).

Submission:

Laboratory for Molecular Medicine, Mass General Brigham Personalized Medicine
Classification: Uncertain significance. Last evaluated: 2015-03-30. Review status: criteria provided, single submitter. Criteria: LMM Criteria. Collection method: clinical testing. Allele origin: germline. Observed: 2 variant alleles.
Comment: Variant classified as Uncertain Significance - Favor Benign. The p.Glu9573Lys va riant in TTN has not been previously reported in individuals with cardiomyopathy or in large population studies. Glutamic acid (Glu) at position 9573 is not con served in mammals or evolutionarily distant species and >10 bird and reptile spe cies carry a lysine (Lys) at this position, raising the possibility that this ch ange may be tolerated. In summary, while the clinical significance of the p.Glu9 573Lys variant is uncertain, the presence of the variant amino acid in multiple other species suggests it is more likely to be benign.

NM_001267550.2(TTN):c.32449G>A (p.Glu10817Lys)

Gene: TTN (titin; minus strand). Cytogenetic location: 2q31.2.
Variant type: single nucleotide variant.
Coding change: c.32449G>A on transcript NM_001267550.2 (MANE Select); coding-DNA position 32449, G replaced by A.
Protein change: p.Glu10817Lys; replaces glutamic acid 10817 with lysine.
Molecular consequence: missense variant. On other transcripts: intron variant (3).
Genome position (GRCh38, 1-based): chr2:178,685,274, C>T on the plus strand (G>A on the coding strand, the complement: TTN is on the minus strand). VCF-style: chr2-178685274-C-T. GRCh37 (hg19) VCF-style: chr2-179550001-C-T.
Other names: c.31498G>A, p.Glu10500Lys (NM_001256850.1); c.13283-42957G>A (NM_003319.4); c.13859-42957G>A (NM_133437.4); c.13658-42957G>A (NM_133432.3); c.28717G>A, p.Glu9573Lys (NM_133378.4); short protein forms E10817K, E9573K, E10500K.
Identifiers: ClinVar variation 229416 (VCV000229416.5), dbSNP rs876658053, ClinGen allele CA10576542.